The following is an entry in ClinVar:

NM_015346.4(ZFYVE26):c.2615G>A (p.Arg872His)

Gene: ZFYVE26 (zinc finger FYVE-type containing 26; minus strand). Cytogenetic location: 14q24.1.
Variant type: single nucleotide variant.
Coding change: c.2615G>A on transcript NM_015346.4 (MANE Select); coding-DNA position 2615, G replaced by A.
Protein change: p.Arg872His; replaces arginine 872 with histidine.
Molecular consequence: missense variant.
Genome position (GRCh38, 1-based): chr14:67,790,712, C>T on the plus strand (G>A on the coding strand, the complement: ZFYVE26 is on the minus strand). VCF-style: chr14-67790712-C-T. GRCh37 (hg19) VCF-style: chr14-68257429-C-T.
Other names: short protein forms R872H.
Identifiers: ClinVar variation 220659 (VCV000220659.5), dbSNP rs532059976, ClinGen allele CA348328.

ClinVar aggregate classification (germline): Uncertain significance. Review status: criteria provided, multiple submitters, no conflicts (2 of 4 stars). 3 submissions from 3 submitters: Uncertain significance (3). Last evaluated 2025-11-02.

Conditions:
Inborn genetic diseases. Identifiers: MedGen C0950123, MeSH D030342.
Spastic paraplegia. Identifiers: MedGen C0037772, HP:0001258.

Allele frequency attached by ClinVar (database versions not stated): gnomAD exomes 0.00001 and 0.00004; gnomAD 0.00003 and 0.00004; TOPMed 0.00003; ExAC 0.00003; 1000 Genomes Project 0.00020; 1000 Genomes Project 30x 0.00031.
gnomAD v4.1: 27 of 1,614,158 alleles (0.0017%); highest among the groups gnomAD compares: East Asian, 0.029%; no homozygotes.

Submissions (3):

Labcorp Genetics (formerly Invitae), Labcorp
Classification: Uncertain significance for Spastic paraplegia. Last evaluated: 2025-11-02. Review status: criteria provided, single submitter. Criteria: Invitae Variant Classification Sherloc (09022015). Collection method: clinical testing. Allele origin: germline.
Comment: This sequence change replaces arginine, which is basic and polar, with histidine, which is basic and polar, at codon 872 of the ZFYVE26 protein (p.Arg872His). This variant is present in population databases (rs532059976, gnomAD 0.06%). This variant has not been reported in the literature in individuals affected with ZFYVE26-related conditions. ClinVar contains an entry for this variant (Variation ID: 220659). An algorithm developed to predict the effect of missense changes on protein structure and function (PolyPhen-2) suggests that this variant is likely to be disruptive. In summary, the available evidence is currently insufficient to determine the role of this variant in disease. Therefore, it has been classified as a Variant of Uncertain Significance.

Ambry Genetics
Classification: Uncertain significance for Inborn genetic diseases. Last evaluated: 2025-03-14. Review status: criteria provided, single submitter. Criteria: Ambry Variant Classification Scheme 2023. Collection method: clinical testing. Allele origin: germline.

GeneDx
Classification: Uncertain significance. Last evaluated: 2023-07-27. Review status: criteria provided, single submitter. Criteria: GeneDx Variant Classification Process June 2021. Collection method: clinical testing. Allele origin: germline. Affected: yes.
Comment: In silico analysis supports that this missense variant does not alter protein structure/function; Has not been previously published as pathogenic or benign to our knowledge